The following is an entry in ClinVar:

ClinVar aggregate classification (germline): Conflicting classifications of pathogenicity. Review status: criteria provided, conflicting classifications (1 of 4 stars). 5 submissions from 5 submitters: Uncertain significance (4); Likely benign (1). Last evaluated 2026-04-27.

Conditions:
Epilepsy, idiopathic generalized, susceptibility to, 11 (EIG11). Identifiers: Orphanet 307, MedGen C2750893, MONDO:0011875, OMIM 607628.
Leukoencephalopathy with mild cerebellar ataxia and white matter edema (LKPAT). Also called: Leukoencephalopathy with white matter edema; Brain white matter edema; Leukoencephalopathy with ataxia; CLCN2-Related Leukoencephalopathy. Identifiers: Orphanet 363540, MedGen C4554120, MONDO:0014292, OMIM 615651. Disease mechanism: loss of function.
Familial hyperaldosteronism type II. Also called: FH II. Identifiers: Orphanet 404, MedGen C1854107, MONDO:0011576, OMIM 605635.
CLCN2-related disorder. Also called: CLCN2-related disorders; CLCN2-related condition.

Allele frequency attached by ClinVar (database versions not stated): ExAC 0.00011; TOPMed 0.00019; gnomAD 0.00021; ESP Exome Variant Server 0.00023.
gnomAD v4.1: 103 of 1,613,280 alleles (0.0064%); highest among the groups gnomAD compares: African/African-American, 0.043%; no homozygotes.

Submissions (5):

Women's Health and Genetics/Laboratory Corporation of America, LabCorp
Classification: Uncertain significance. Last evaluated: 2026-04-27. Review status: criteria provided, single submitter. Criteria: LabCorp Variant Classification Summary - May 2015. Collection method: clinical testing. Allele origin: germline.
Comment: Variant summary: CLCN2 c.2399G>A (p.Arg800Gln) results in a conservative amino acid change in the encoded protein sequence. Algorithms developed to predict the effect of missense changes on protein structure and function are either unavailable or do not agree on the potential impact of this missense change. The variant allele was found at a frequency of 0.00013 in 251348 control chromosomes. This frequency is not significantly higher than estimated for disease-causing variants in CLCN2, allowing no conclusion about variant significance. To our knowledge, no occurrence of c.2399G>A in individuals affected with CLCN2-related conditions and no experimental evidence demonstrating its impact on protein function have been reported. ClinVar contains an entry for this variant (Variation ID: 2174239). Based on the evidence outlined above, the variant was classified as uncertain significance.

Labcorp Genetics (formerly Invitae), Labcorp
Classification: Likely benign. Last evaluated: 2025-07-29. Review status: criteria provided, single submitter. Criteria: Invitae Variant Classification Sherloc (09022015). Collection method: clinical testing. Allele origin: germline.

PreventionGenetics, part of Exact Sciences
Classification: Uncertain significance for CLCN2-related condition. Last evaluated: 2025-05-01. Review status: criteria provided, single submitter. Criteria: ACMG Guidelines, 2015. Collection method: clinical testing. Allele origin: germline.
Comment: The CLCN2 c.2399G>A variant is predicted to result in the amino acid substitution p.Arg800Gln. To our knowledge, this variant has not been reported in the literature. This variant is reported in 0.080% of alleles in individuals of East Asian descent in gnomAD. At this time, the clinical significance of this variant is uncertain due to the absence of conclusive functional and genetic evidence.

Fulgent Genetics
Classification: Uncertain significance for Familial hyperaldosteronism type II; Epilepsy, idiopathic generalized, susceptibility to, 11; Leukoencephalopathy with mild cerebellar ataxia and white matter edema. Last evaluated: 2024-06-17. Review status: criteria provided, single submitter. Criteria: ACMG Guidelines, 2015. Collection method: clinical testing. Allele origin: germline.

Blueprint Genetics
Classification: Uncertain significance. Last evaluated: 2024-01-30. Review status: criteria provided, single submitter. Criteria: ACMG Guidelines, 2015. Collection method: clinical testing. Allele origin: germline.

NM_004366.6(CLCN2):c.2399G>A (p.Arg800Gln)

Gene: CLCN2 (chloride voltage-gated channel 2; minus strand). Cytogenetic location: 3q27.1.
Variant type: single nucleotide variant.
Coding change: c.2399G>A on transcript NM_004366.6 (MANE Select); coding-DNA position 2399, G replaced by A.
Protein change: p.Arg800Gln; replaces arginine 800 with glutamine.
Molecular consequence: missense variant.
Genome position (GRCh38, 1-based): chr3:184,352,029, C>T on the plus strand (G>A on the coding strand, the complement: CLCN2 is on the minus strand). VCF-style: chr3-184352029-C-T. GRCh37 (hg19) VCF-style: chr3-184069817-C-T.
Other names: c.2348G>A, p.Arg783Gln (NM_001171087.3); c.2267G>A, p.Arg756Gln (NM_001171088.3); c.2399G>A, p.Arg800Gln (NM_001171089.3); c.2399G>A (NM_004366.5); short protein forms R783Q, R756Q, R800Q.
Identifiers: ClinVar variation 2174239 (VCV002174239.8), dbSNP rs147728691, ClinGen allele CA2733709.